The following is an entry in ClinVar:

NM_000037.4(ANK1):c.3038del (p.Asn1013fs)

Gene: ANK1 (ankyrin 1; minus strand). Cytogenetic location: 8p11.21.
Variant type: Deletion.
Coding change: c.3038del on transcript NM_000037.4 (MANE Select); coding-DNA position 3038, one base deleted (A; older notation c.3038delA).
Protein change: p.Asn1013fs; shifts the reading frame from asparagine 1013.
Molecular consequence: frameshift variant.
Genome position (GRCh38, 1-based): chr8:41,695,254, T deleted on the plus strand (A on the coding strand, the reverse complement: ANK1 is on the minus strand); the first of 4 consecutive T bases (chr8:41,695,254-41,695,257); deleting any one gives the same sequence. VCF-style (leftmost placement, unchanged base first): chr8-41695253-GT-G. GRCh37 (hg19) VCF-style: chr8-41552771-GT-G.
Other names: c.3161del, p.Asn1054fs (NM_001142446.2); c.3038del, p.Asn1013fs (NM_020475.3, NM_020476.3, NM_020477.3); short protein forms N1013fs, N1054fs.
Identifiers: ClinVar variation 3657864 (VCV003657864.2).

ClinVar aggregate classification (germline): Pathogenic (1 of 4 stars; one submission).

Submission:

Labcorp Genetics (formerly Invitae), Labcorp
Classification: Pathogenic. Last evaluated: 2024-06-25. Review status: criteria provided, single submitter. Criteria: Invitae Variant Classification Sherloc (09022015). Collection method: clinical testing. Allele origin: germline.
Comment: This sequence change creates a premature translational stop signal (p.Asn1013Thrfs*34) in the ANK1 gene. It is expected to result in an absent or disrupted protein product. Loss-of-function variants in ANK1 are known to be pathogenic (PMID: 8640229). This variant is not present in population databases (gnomAD no frequency). This variant has not been reported in the literature in individuals affected with ANK1-related conditions. For these reasons, this variant has been classified as Pathogenic.

Literature cited by the submitters: PubMed 8640229.